The following is an entry in ClinVar:

NM_004629.2(FANCG):c.856G>A (p.Ala286Thr)

Gene: FANCG (FA complementation group G; minus strand). Cytogenetic location: 9p13.3.
Variant type: single nucleotide variant.
Coding change: c.856G>A on transcript NM_004629.2 (MANE Select); coding-DNA position 856, G replaced by A.
Protein change: p.Ala286Thr; replaces alanine 286 with threonine.
Molecular consequence: missense variant.
Genome position (GRCh38, 1-based): chr9:35,076,792, C>T on the plus strand (G>A on the coding strand, the complement: FANCG is on the minus strand). VCF-style: chr9-35076792-C-T. GRCh37 (hg19) VCF-style: chr9-35076789-C-T.
Other names: short protein forms A286T.
Identifiers: ClinVar variation 5036548 (VCV005036548.1).
Genomic context (GRCh38, chr9:35,076,792, plus strand): 5'-GCAGCTCCAGACTCTCCAGCTCTGCTGTTGTGTCCCCCAGTTGCTGATAGAGCCTAGAGG[C>T]CTCCAGAAGTGGAGGACCCCAGGCTGATCCCTCTTTCAGGGCTGCAACCAAGTACAACAG-3'
Protein context (NP_004620.1, residues 276-296): GSAWGPPLLE[Ala286Thr]SRLYQQLGDT

ClinVar aggregate classification (germline): Uncertain significance (1 of 4 stars; one submission).

Conditions:
Inborn genetic diseases. Identifiers: MedGen C0950123, MeSH D030342.

Submission:

Ambry Genetics
Classification: Uncertain significance for Inborn genetic diseases. Last evaluated: 2026-09-14. Review status: criteria provided, single submitter. Criteria: Ambry Variant Classification Scheme 2023. Collection method: clinical testing. Allele origin: germline.
Comment: The p.A286T variant (also known as c.856G>A), located in coding exon 7 of the FANCG gene, results from a G to A substitution at nucleotide position 856. The alanine at codon 286 is replaced by threonine, an amino acid with similar properties. This amino acid position is conserved. In addition, this alteration is predicted to be tolerated by in silico analysis. Based on the available evidence, the clinical significance of this variant remains unclear.